The following is an entry in ClinVar:

NM_207122.2(EXT2):c.-148G>A

Genes: EXT2 (exostosin glycosyltransferase 2; plus strand), LOC130005598 (ATAC-STARR-seq lymphoblastoid silent region 3272; plus strand). Cytogenetic location: 11p11.2.
Variant type: single nucleotide variant.
Coding change: c.-148G>A on transcript NM_207122.2 (MANE Select); 148 bases upstream of the start codon, G replaced by A.
Molecular consequence: 5 prime UTR variant.
Genome position (GRCh38, 1-based): chr11:44,095,735, G>A. VCF-style: chr11-44095735-G-A. GRCh37 (hg19) VCF-style: chr11-44117285-G-A.
Other names: c.-148G>A (NM_001178083.3); c.-187G>A (NM_001389630.1).
Identifiers: ClinVar variation 304567 (VCV000304567.5), dbSNP rs115238130, ClinGen allele CA10630859.

ClinVar aggregate classification (germline): Benign (1 of 4 stars; one submission).

Conditions:
Exostoses, multiple, type 2 (EXT2). Also called: Hereditary Multiple Osteochondromatosis, Type II; EXOSTOSES, MULTIPLE, TYPE II. Identifiers: Orphanet 321, MedGen C1851413, MONDO:0007586, OMIM 133701.

Allele frequency attached by ClinVar (database versions not stated): gnomAD 0.00449 and 0.00479; TOPMed 0.00470; 1000 Genomes Project 0.00479; 1000 Genomes Project 30x 0.00562.

Submission:

Illumina Laboratory Services, Illumina
Classification: Benign for Exostoses, multiple, type 2. Last evaluated: 2018-01-13. Review status: criteria provided, single submitter. Criteria: ICSL Variant Classification Criteria 13 December 2019. Collection method: clinical testing. Allele origin: germline.
Comment: This variant was observed in the ICSL laboratory as part of a predisposition screen in an ostensibly healthy population. It had not been previously curated by ICSL or reported in the Human Gene Mutation Database (HGMD: prior to June 1st, 2018), and was therefore a candidate for classification through an automated scoring system. Utilizing variant allele frequency, disease prevalence and penetrance estimates, and inheritance mode, an automated score was calculated to assess if this variant is too frequent to cause the disease. Based on the score and internal cut-off values, a variant classified as benign is not then subjected to further curation. The score for this variant resulted in a classification of benign for this disease.